The following is an entry in ClinVar:

NM_001368395.3(FRMPD4):c.87G>A (p.Trp29Ter)

Gene: FRMPD4 (FERM and PDZ domain containing 4; plus strand). Cytogenetic location: Xp22.2.
Variant type: single nucleotide variant.
Coding change: c.87G>A on transcript NM_001368395.3; coding-DNA position 87, G replaced by A.
Protein change: p.Trp29Ter; replaces tryptophan 29 with a stop codon.
Molecular consequence: nonsense.
Genome position (GRCh38, 1-based): chrX:11,877,953, G>A. VCF-style: chrX-11877953-G-A. GRCh37 (hg19) VCF-style: chrX-11896072-G-A.
Other names: c.87G>A, p.Trp29Ter (NM_001368398.3); short protein forms W29*.
Identifiers: ClinVar variation 5020299 (VCV005020299.1).
Genomic context (GRCh38, chrX:11,877,953, plus strand): 5'-AGGAAAAGGTGGGCTGTTTTGGCTTCCTACCATGGAGGAGGACCTTGAAGGAGAAAACTG[G>A]CAGACCTTCTCCATTCCCTGGTGCTTCAGCAGGGCAGCTGAGGATGAAGGAGAACATATT-3'

ClinVar aggregate classification (germline): Uncertain significance (1 of 4 stars; one submission).

Submission:

Dasa
Classification: Uncertain significance. Last evaluated: 2026-06-26. Review status: criteria provided, single submitter. Criteria: DASA Assertion Criteria. Collection method: clinical testing. Allele origin: germline.
Comment: NM_001368395.3(FRMPD4):c.87G>A (p.Trp29*) is a nonsense variant in FRMPD4 predicted to introduce a premature termination codon. This variant is rare in population databases. The currently available literature and clinical evidence are not sufficient to establish a definitive association between this variant and the reported condition. Therefore, this variant is classified as a variant of uncertain significance.